The following is an entry in ClinVar:

NM_031885.5(BBS2):c.722A>C (p.Lys241Thr)

Gene: BBS2 (Bardet-Biedl syndrome 2; minus strand). Cytogenetic location: 16q13.
Variant type: single nucleotide variant.
Coding change: c.722A>C on transcript NM_031885.5 (MANE Select); coding-DNA position 722, A replaced by C.
Protein change: p.Lys241Thr; replaces lysine 241 with threonine.
Molecular consequence: missense variant. On other transcripts: non-coding transcript variant (5).
Genome position (GRCh38, 1-based): chr16:56,506,032, T>G on the plus strand (A>C on the coding strand, the complement: BBS2 is on the minus strand). VCF-style: chr16-56506032-T-G. GRCh37 (hg19) VCF-style: chr16-56539944-T-G.
Other names: c.722A>C, p.Lys241Thr (NM_001377456.1); c.722A>C (NM_031885.3); short protein forms K241T.
Identifiers: ClinVar variation 1423857 (VCV001423857.9), dbSNP rs199918247, ClinGen allele CA8065939.
Genomic context (GRCh38, chr16:56,506,032, plus strand): 5'-ATCAGTTCATTCACTCCATCAGAATTAAGGTCAAAAGCATGAATGCTCATGGCATGATTT[T>G]TCGACTGAAAAAGAATTTTAATAATTAGCACAGAAGTCTCACAATAACTATCAAGCGCCT-3'
Protein context (NP_114091.4, residues 231-251): KTSRYWRIKS[Lys241Thr]NHAMSIHAFD

ClinVar aggregate classification (germline): Uncertain significance. Review status: criteria provided, multiple submitters, no conflicts (2 of 4 stars). 5 submissions from 5 submitters: Uncertain significance (4). 1 of the submissions does not count toward it. Last evaluated 2025-04-29.

Conditions:
BBS2-related disorder. Also called: BBS2-related disorders; BBS2-related condition. Identifiers: MedGen CN239228.
Inborn genetic diseases. Identifiers: MedGen C0950123, MeSH D030342.
Bardet-Biedl syndrome (BBS). Identifiers: Orphanet 110, MedGen C0752166, MONDO:0015229.
Bardet-Biedl syndrome 2 (BBS2). Identifiers: Orphanet 110, MedGen C2936863, MONDO:0014432, OMIM 615981.
Retinitis pigmentosa 74 (RP74). Identifiers: Orphanet 791, MedGen C4225281, MONDO:0014692, OMIM 616562.

Allele frequency attached by ClinVar (database versions not stated): ExAC 0.00005; gnomAD 0.00006; gnomAD exomes 0.00007 and 0.00011; TOPMed 0.00007.
gnomAD v4.1: 172 of 1,613,868 alleles (0.011%); highest among the groups gnomAD compares: Non-Finnish European, 0.014%; no homozygotes.

Submissions (5):

Ambry Genetics
Classification: Uncertain significance for Inborn genetic diseases. Last evaluated: 2025-04-29. Review status: criteria provided, single submitter. Criteria: Ambry Variant Classification Scheme 2023. Collection method: clinical testing. Allele origin: germline.

Fulgent Genetics
Classification: Uncertain significance for Bardet-Biedl syndrome 2; Retinitis pigmentosa 74. Last evaluated: 2024-05-10. Review status: criteria provided, single submitter. Criteria: ACMG Guidelines, 2015. Collection method: clinical testing. Allele origin: germline.

Labcorp Genetics (formerly Invitae), Labcorp
Classification: Uncertain significance for Bardet-Biedl syndrome. Last evaluated: 2022-10-04. Review status: criteria provided, single submitter. Criteria: Invitae Variant Classification Sherloc (09022015). Collection method: clinical testing. Allele origin: germline.
Comment: This sequence change replaces lysine, which is basic and polar, with threonine, which is neutral and polar, at codon 241 of the BBS2 protein (p.Lys241Thr). This variant is present in population databases (rs199918247, gnomAD 0.01%). This variant has not been reported in the literature in individuals affected with BBS2-related conditions. ClinVar contains an entry for this variant (Variation ID: 1423857). Advanced modeling of protein sequence and biophysical properties (such as structural, functional, and spatial information, amino acid conservation, physicochemical variation, residue mobility, and thermodynamic stability) performed at Invitae indicates that this missense variant is expected to disrupt BBS2 protein function. In summary, the available evidence is currently insufficient to determine the role of this variant in disease. Therefore, it has been classified as a Variant of Uncertain Significance.

Blueprint Genetics
Classification: Uncertain significance. Last evaluated: 2022-08-31. Review status: criteria provided, single submitter. Criteria: ACMG Guidelines, 2015. Collection method: clinical testing. Allele origin: germline.

PreventionGenetics, part of Exact Sciences
Classification: Uncertain significance for BBS2-related condition. Last evaluated: 2024-03-26. Review status: no assertion criteria provided. Collection method: clinical testing. Allele origin: germline. Not counted in ClinVar's aggregate classification.
Comment: The BBS2 c.722A>C variant is predicted to result in the amino acid substitution p.Lys241Thr. To our knowledge, this variant has not been reported in the literature. This variant is reported in 0.014% of alleles in individuals of European (Non-Finnish) descent in gnomAD. At this time, the clinical significance of this variant is uncertain due to the absence of conclusive functional and genetic evidence.